The following is an entry in ClinVar:

NM_000552.5(VWF):c.2067C>T (p.Cys689=)

Gene: VWF (von Willebrand factor; minus strand). Cytogenetic location: 12p13.31.
Variant type: single nucleotide variant.
Coding change: c.2067C>T on transcript NM_000552.5 (MANE Select); coding-DNA position 2067, C replaced by T.
Protein change: p.Cys689=; no amino-acid change (cysteine 689 retained).
Molecular consequence: synonymous variant.
Genome position (GRCh38, 1-based): chr12:6,052,662, G>A on the plus strand (C>T on the coding strand, the complement: VWF is on the minus strand). VCF-style: chr12-6052662-G-A. GRCh37 (hg19) VCF-style: chr12-6161828-G-A.
Identifiers: ClinVar variation 2682098 (VCV002682098.1), dbSNP rs764755360, ClinGen allele CA6403187.

ClinVar aggregate classification (germline): Uncertain significance (1 of 4 stars; one submission).

Allele frequency attached by ClinVar (database versions not stated): TOPMed 0.00002; gnomAD 0.00003.

Submission:

Quest Diagnostics Nichols Institute San Juan Capistrano
Classification: Uncertain significance. Last evaluated: 2023-01-19. Review status: criteria provided, single submitter. Criteria: Quest Diagnostics criteria. Collection method: clinical testing. Allele origin: unknown.
Comment: This variant has not been reported in individuals with VWF-related conditions in the published literature. The frequency of this variant in the general population, 0.0018 (54/30616 chromosomes), is uninformative in assessment of its pathogenicity. Analysis of this variant using software algorithms for the prediction of the effect of nucleotide changes on splicing yielded predictions that this variant does not affect VWF mRNA splicing . Based on the available information, we are unable to determine the clinical significance of this variant.